The following is an entry in ClinVar:

ClinVar aggregate classification (germline): Uncertain significance (0 of 4 stars; one submission).

Conditions:
Prostate cancer. Also called: Malignant tumor of prostate. Identifiers: Orphanet 1331, MedGen C0376358, MONDO:0008315, HP:0012125.

Submission:

Science for Life laboratory,  Karolinska Institutet
Classification: Uncertain significance for Malignant tumor of prostate. Review status: no assertion criteria provided. Collection method: not provided. Allele origin: somatic.
Comment: TumorID:SWE-19
ClinVar note: Converted during submission from Unknown to Uncertain significance.

NM_007112.5(THBS3):c.1440G>T (p.Gln480His)

Genes: THBS3 (thrombospondin 3; minus strand), THBS3-AS1 (THBS3 antisense RNA 1; plus strand). Cytogenetic location: 1q22.
Variant type: single nucleotide variant.
Coding change: c.1440G>T on transcript NM_007112.5 (MANE Select); coding-DNA position 1440, G replaced by T.
Protein change: p.Gln480His; replaces glutamine 480 with histidine.
Molecular consequence: missense variant. On other transcripts: non-coding transcript variant (1).
Genome position (GRCh38, 1-based): chr1:155,201,094, C>A on the plus strand (G>T on the coding strand, the complement: THBS3 is on the minus strand). VCF-style: chr1-155201094-C-A. GRCh37 (hg19) VCF-style: chr1-155170885-C-A.
Other names: c.1413G>T, p.Gln471His (NM_001252607.2); c.1080G>T, p.Gln360His (NM_001252608.2); short protein forms Q480H, Q360H, Q471H.
Identifiers: ClinVar variation 161656 (VCV000161656.2), dbSNP rs193920931, ClinGen allele CA174541.